The following is an entry in ClinVar:

ClinVar aggregate classification (germline): Benign/Likely benign. Review status: criteria provided, multiple submitters, no conflicts (2 of 4 stars). 4 submissions from 4 submitters: Benign (2); Likely benign (2). Last evaluated 2026-02-01.

Conditions:
Inborn genetic diseases. Identifiers: MedGen C0950123, MeSH D030342.

Allele frequency attached by ClinVar (database versions not stated): gnomAD 0.00001; TOPMed 0.00007; gnomAD exomes 0.00008 and 0.00016; ExAC 0.00016.
gnomAD v4.1: 50 of 1,613,296 alleles (0.0031%); highest among the groups gnomAD compares: Admixed American, 0.08%; no homozygotes.

Submissions (4):

CeGaT Center for Human Genetics Tuebingen
Classification: Likely benign. Last evaluated: 2026-02-01. Review status: criteria provided, single submitter. Criteria: CeGaT Center For Human Genetics Tuebingen Variant Classification Criteria Version 2. Collection method: clinical testing. Allele origin: germline. Affected: yes. Observed: 1 variant allele.
Comment: KMT2A: BP4

Ambry Genetics
Classification: Likely benign for Inborn genetic diseases. Last evaluated: 2025-12-11. Review status: criteria provided, single submitter. Criteria: Ambry Variant Classification Scheme 2023. Collection method: clinical testing. Allele origin: germline.

Labcorp Genetics (formerly Invitae), Labcorp
Classification: Benign. Last evaluated: 2025-07-15. Review status: criteria provided, single submitter. Criteria: Invitae Variant Classification Sherloc (09022015). Collection method: clinical testing. Allele origin: germline.

GeneDx
Classification: Benign. Last evaluated: 2019-11-13. Review status: criteria provided, single submitter. Criteria: GeneDx Variant Classification Process June 2021. Collection method: clinical testing. Allele origin: germline. Affected: yes.

NM_001197104.2(KMT2A):c.1529A>G (p.His510Arg)

Gene: KMT2A (lysine methyltransferase 2A; plus strand). Cytogenetic location: 11q23.3.
Variant type: single nucleotide variant.
Coding change: c.1529A>G on transcript NM_001197104.2 (MANE Select); coding-DNA position 1529, A replaced by G.
Protein change: p.His510Arg; replaces histidine 510 with arginine.
Molecular consequence: missense variant.
Genome position (GRCh38, 1-based): chr11:118,472,688, A>G. VCF-style: chr11-118472688-A-G. GRCh37 (hg19) VCF-style: chr11-118343403-A-G.
Other names: c.1529A>G, p.His510Arg (NM_005933.4); short protein forms H510R.
Identifiers: ClinVar variation 1255274 (VCV001255274.15), dbSNP rs782129160, ClinGen allele CA6303414.